The following is an entry in ClinVar:

ClinVar aggregate classification (germline): Uncertain significance. Review status: criteria provided, single submitter (1 of 4 stars). 2 submissions from 2 submitters: Uncertain significance (1). 1 of the submissions does not count toward it. Last evaluated 2025-07-02.

Conditions:
GNE myopathy (NM). Also called: IBM 2; Inclusion body myopathy autosomal recessive; Inclusion body myopathy quadriceps sparing; NONAKA DISTAL MYOPATHY; INCLUSION BODY MYOPATHY, HEREDITARY, AUTOSOMAL RECESSIVE; INCLUSION BODY MYOPATHY 2, AUTOSOMAL RECESSIVE. Identifiers: Orphanet 602, MedGen C1853926, MONDO:0011603, OMIM 605820.

Allele frequency attached by ClinVar (database versions not stated): gnomAD exomes below 0.00001; TOPMed 0.00001.
gnomAD v4.1: 2 of 1,613,994 alleles (0.00012%); highest among the groups gnomAD compares: Non-Finnish European, 0.00017%; no homozygotes.

Submissions (2):

Women's Health and Genetics/Laboratory Corporation of America, LabCorp
Classification: Uncertain significance. Last evaluated: 2025-07-02. Review status: criteria provided, single submitter. Criteria: LabCorp Variant Classification Summary - May 2015. Collection method: clinical testing. Allele origin: germline.
Comment: Variant summary: GNE c.1625C>T (p.Pro542Leu) results in a non-conservative amino acid change in the encoded protein sequence. Algorithms developed to predict the effect of missense changes on protein structure and function all suggest that this variant is likely to be disruptive. The variant allele was found at a frequency of 4e-06 in 251494 control chromosomes. The available data on variant occurrences in the general population are insufficient to allow any conclusion about variant significance. c.1625C>T has been observed in a compound heterozygous individual affected with Inclusion Body Myopathy 2 (Liewluck_2006). These data do not allow any conclusion about variant significance. To our knowledge, no experimental evidence demonstrating an impact on protein function has been reported. The following publication have been ascertained in the context of this evaluation (PMID: 16810679). ClinVar contains an entry for this variant (Variation ID: 551184). Based on the evidence outlined above, the variant was classified as uncertain significance.

Counsyl
Classification: Uncertain significance for GNE myopathy. Last evaluated: 2017-03-20. Review status: no assertion criteria provided. Collection method: clinical testing. Allele origin: unknown. Not counted in ClinVar's aggregate classification.

Literature cited by the submitters: PubMed 16810679 (cited by Women's Health and Genetics/Laboratory Corporation of America, LabCorp and Counsyl).

NM_005476.7(GNE):c.1532C>T (p.Pro511Leu)

Gene: GNE (glucosamine (UDP-N-acetyl)-2-epimerase/N-acetylmannosamine kinase; minus strand). Cytogenetic location: 9p13.3.
Variant type: single nucleotide variant.
Coding change: c.1532C>T on transcript NM_005476.7 (MANE Select); coding-DNA position 1532, C replaced by T.
Protein change: p.Pro511Leu; replaces proline 511 with leucine.
Molecular consequence: missense variant. On other transcripts: intron variant (1).
Genome position (GRCh38, 1-based): chr9:36,222,878, G>A on the plus strand (C>T on the coding strand, the complement: GNE is on the minus strand). VCF-style: chr9-36222878-G-A. GRCh37 (hg19) VCF-style: chr9-36222875-G-A.
Other names: c.1625C>T, p.Pro542Leu (NM_001128227.3); c.1202C>T, p.Pro401Leu (NM_001190384.3); c.1355C>T, p.Pro452Leu (NM_001190388.2, NM_001374798.1); c.1379C>T, p.Pro460Leu (NM_001374797.1); c.1411+495C>T (NM_001190383.3); short protein forms P511L, P542L, P401L, P460L, P452L.
Identifiers: ClinVar variation 551184 (VCV000551184.4), dbSNP rs1414079876, ClinGen allele CA373426428.
Genomic context (GRCh38, chr9:36,222,878, plus strand): 5'-CCTTGGCCAAATTTCCTTTCCGCCAGGGCAGCACAGTTGCCATCATTGTCTACCCACACA[G>A]GGAGATGCAAAGTGTCAGAAAGGGGGGTCCTAAGGTCCACAGAGTTCCACTCTTGGATCA-3'
Protein context (NP_005467.1, residues 501-521): RTPLSDTLHL[Pro511Leu]VWVDNDGNCA